The following is an entry in ClinVar:

ClinVar aggregate classification (germline): Pathogenic. Review status: reviewed by expert panel (3 of 4 stars). 29 submissions from 28 submitters: Pathogenic (1). 28 of the submissions do not count toward it. Last evaluated 2017-03-17.

Conditions:
Cystic fibrosis diagnostic test.
CFTR-related disorder (CFTR-RD). Also called: CFTR-related disorders; CFTR-related condition. Identifiers: MedGen C5924204, MONDO:7770004.
Congenital bilateral aplasia of vas deferens from CFTR mutation (CBAVD). Identifiers: Orphanet 48, MedGen C0403814, MONDO:0010178, OMIM 277180. Disease mechanism: loss of function.
Cystic fibrosis (CF). Also called: MUCOVISCIDOSIS. Identifiers: Orphanet 586, MedGen C0010674, MONDO:0009061, OMIM 219700. Disease mechanism: loss of function.
Bronchiectasis with or without elevated sweat chloride 1 (BESC1). Also called: Cystic Fibrosis-Like Syndrome. Identifiers: Orphanet 60033, MedGen C2749757, MONDO:0008887, OMIM 211400.
Hereditary pancreatitis (PCTT). Also called: PRSS1-Related Hereditary Pancreatitis; Hereditary chronic pancreatitis. Identifiers: Orphanet 676, MedGen C0238339, MONDO:0008185, OMIM 167800.

Submissions 1 to 12 of 29:

CFTR2
Classification: Pathogenic for Cystic fibrosis. Last evaluated: 2017-03-17. Review status: reviewed by expert panel. Criteria: Sosnay PR et al. (Nat Genet 2013). Collection method: research. Allele origin: germline. Affected: yes. Study: CFTR2.

Natera, Inc.
Classification: Pathogenic for CFTR-related disorders. Last evaluated: 2025-12-11. Review status: criteria provided, single submitter. Criteria: Natera Variant Classification Schema (03/2026). Collection method: clinical testing. Allele origin: germline. Not counted in ClinVar's aggregate classification.
Comment: The c.262_263delTT variant in CFTR is a frameshift variant predicted to shift the reading frame beginning at codon 88 and leads to a stop codon 22 codons downstream. This variant is expected to result in nonsense mediated decay, truncation, or a dysfunctional protein product. This variant is rare in the general population with a frequency below the threshold expected for the associated phenotype(s). This variant has been observed in one or more individuals affected with the associated recessive disease, as either homozygous or compound heterozygous with a second variant (PMID: 21354377). Given the available evidence, this variant is classified as Pathogenic.

Labcorp Genetics (formerly Invitae), Labcorp
Classification: Pathogenic for Cystic fibrosis. Last evaluated: 2025-10-31. Review status: criteria provided, single submitter. Criteria: Invitae Variant Classification Sherloc (09022015). Collection method: clinical testing. Allele origin: germline. Not counted in ClinVar's aggregate classification.
Comment: This sequence change creates a premature translational stop signal (p.Leu88Ilefs*22) in the CFTR gene. It is expected to result in an absent or disrupted protein product. Loss-of-function variants in CFTR are known to be pathogenic (PMID: 1695717, 7691345, 9725922). This variant is present in population databases (rs754147777, gnomAD 0.1%). This premature translational stop signal has been observed in individual(s) with cystic fibrosis and CFTR-related conditions (PMID: 7691344, 22658665, 23378603, 23974870). This variant is also known as 394delTT. ClinVar contains an entry for this variant (Variation ID: 7232). For these reasons, this variant has been classified as Pathogenic.

Otogenetics
Classification: Pathogenic for Cystic fibrosis; Congenital bilateral aplasia of vas deferens from CFTR mutation. Last evaluated: 2025-10-29. Review status: criteria provided, single submitter. Criteria: ACMG Guidelines, 2015. Collection method: clinical testing. Allele origin: germline. Not counted in ClinVar's aggregate classification.
Comment: PVS1: Frameshift indel introduces premature stop codon in gene with loss of function as mechanism of disease, predicted to undergo NMD; PM2: Maximum gnomAD MAF of 0.1322% in European-Finnish (FIN) subpopulation (<0.296% threshold); PM3_Supporting: Variant reported in homozygous state one individual affected with cystic fibrosis (PMID: 15463888)

NHS Central & South Genomic Laboratory Hub
Classification: Pathogenic for Cystic fibrosis diagnostic test. Last evaluated: 2025-10-21. Review status: criteria provided, single submitter. Criteria: ACMG Guidelines, 2015. Collection method: clinical testing. Allele origin: germline. Affected: yes. Not counted in ClinVar's aggregate classification.

PreventionGenetics, part of Exact Sciences
Classification: Pathogenic for CFTR-related condition. Last evaluated: 2025-09-25. Review status: criteria provided, single submitter. Criteria: ACMG Guidelines, 2015. Collection method: clinical testing. Allele origin: germline. Not counted in ClinVar's aggregate classification.
Comment: The CFTR c.262_263delTT variant is predicted to result in a frameshift and premature protein termination (p.Leu88Ilefs*22). This variant has been reported to be causative for cystic fibrosis (described as 394delTT, Claustres et al. 1993. PubMed ID: 7691344; Sosnay et al. 2013. PubMed ID: 23974870; CFTR2; CFTR France). This variant is reported in 0.13% of alleles in individuals of European (Finnish) descent in gnomAD. Frameshift variants in CFTR are expected to be pathogenic. This variant is interpreted as pathogenic.

Ambry Genetics
Classification: Pathogenic for Cystic fibrosis. Last evaluated: 2025-03-06. Review status: criteria provided, single submitter. Criteria: Ambry Variant Classification Scheme 2023. Collection method: clinical testing. Allele origin: germline. Not counted in ClinVar's aggregate classification.
Comment: The c.262_263delTT pathogenic mutation, located in coding exon 3 of the CFTR gene, results from a deletion of two nucleotides at positions 262 to 263, causing a translational frameshift with a predicted alternate stop codon (p.L88Ifs*22). This variant is associated with elevated sweat chloride levels, pancreatic insufficiency, and decreased lung function (Sosnay PR et al. Nat Genet. 2013;45(10):1160-7, Supplementary Table). In one study, this variant reportedly accounted for 8.5% of cystic fibrosis (CF) mutations in a cohort of 331 CF patients from Sweden (Schaedel C, et al. Clin.Genet.1999;56(4):318-22). This variant was also reportedly detected in the homozygous state in an infant with severe CF manifestations including pancreatic insufficiency, anemia, failure to thrive, elevated sweat chloride level, and severe pulmonary disease (Kahre T et al. J.Cyst.Fibros.2004;3(1):58-60). In addition to the clinical data presented in the literature, this alteration is expected to result in loss of function by premature protein truncation or nonsense-mediated mRNA decay. As such, this alteration is interpreted as a disease-causing mutation.

Blueprint Genetics
Classification: Pathogenic for CFTR-related disorders. Last evaluated: 2024-09-11. Review status: criteria provided, single submitter. Criteria: ACMG Guidelines, 2015. Collection method: clinical testing. Allele origin: germline. Affected: yes. Observed: 5 variant alleles. Not counted in ClinVar's aggregate classification.

3billion
Classification: Pathogenic for Cystic fibrosis. Last evaluated: 2024-07-25. Review status: criteria provided, single submitter. Criteria: ACMG Guidelines, 2015. Collection method: clinical testing. Allele origin: germline. Affected: yes. Not counted in ClinVar's aggregate classification.
Comment: The variant is observed at an extremely low frequency in the gnomAD v4.0.0 dataset (total allele frequency: 0.012%). Predicted Consequence/Location: Frameshift: predicted to result in a loss or disruption of normal protein function through nonsense-mediated decay (NMD) or protein truncation. Multiple pathogenic variants are reported downstream of the variant. The variant has been reported multiple times as an established pathogenic variant (ClinVar ID: VCV000007232 /PMID: 7691344). Therefore, this variant is classified as Pathogenic according to the recommendation of ACMG/AMP guideline.

ARUP Laboratories, Molecular Genetics and Genomics, ARUP Laboratories
Classification: Pathogenic for Cystic fibrosis. Last evaluated: 2024-03-20. Review status: criteria provided, single submitter. Criteria: ARUP Molecular Germline Variant Investigation Process 2024. Collection method: clinical testing. Allele origin: germline. Not counted in ClinVar's aggregate classification.
Comment: The CFTR c.262_263del; p.Leu88IlefsTer22 variant (rs121908769), also known as 394delTT, has been reported in multiple patients diagnosed with cystic fibrosis (Claustres 1993, Schwartz 1994), and commonly associated with pancreatic insufficiency (Ooi 2012, Sosnay 2013, CFTR2 database). This variant is reported as pathogenic in ClinVar (Variation ID: 7232) and is found in the general population with an overall allele frequency of 0.03% (73/282,210 alleles) in the Genome Aggregation Database (v2.1.1). This variant causes a frameshift by deleting two nucleotides, so it is predicted to result in a truncated protein or mRNA subject to nonsense-mediated decay. Based on the above information, the variant is classified as pathogenic. References: Link to CFTR2 database: Claustres M et al. Analysis of the 27 exons and flanking regions of the cystic fibrosis gene: 40 different mutations account for 91.2% of the mutant alleles in southern France. Hum Mol Genet. 1993 Aug;2(8):1209-13. PMID: 7691344. Ooi CY et al. Cystic fibrosis transmembrane conductance regulator (CFTR) gene mutations in pancreatitis. J Cyst Fibros. 2012 Sep;11(5):355-62. PMID: 22658665. Schwartz M et al. 394delTT: a Nordic cystic fibrosis mutation. Hum Genet. 1994 Feb;93(2):157-61. PMID: 7509310. Sosnay PR et al. Defining the disease liability of variants in the cystic fibrosis transmembrane conductance regulator gene. Nat Genet. 2013 Oct;45(10):1160-7. PMID: 23974870.

Clinical Genetics Laboratory, Skane University Hospital Lund
Classification: Pathogenic. Last evaluated: 2024-03-12. Review status: criteria provided, single submitter. Criteria: ACMG Guidelines, 2015. Collection method: clinical testing. Allele origin: germline. Affected: yes. Not counted in ClinVar's aggregate classification.

Baylor Genetics
Classification: Pathogenic for Bronchiectasis with or without elevated sweat chloride 1. Last evaluated: 2024-02-23. Review status: criteria provided, single submitter. Criteria: ACMG Guidelines, 2015. Collection method: clinical testing. Allele origin: unknown. Not counted in ClinVar's aggregate classification.

NM_000492.4(CFTR):c.262_263del (p.Leu88fs)

Gene: CFTR (CF transmembrane conductance regulator; plus strand). Cytogenetic location: 7q31.2.
Variant type: Deletion.
Coding change: c.262_263del on transcript NM_000492.4 (MANE Select); coding-DNA positions 262 to 263, 2 bases deleted (TT; older notation c.262_263delTT).
Protein change: p.Leu88fs; shifts the reading frame from leucine 88.
Molecular consequence: frameshift variant.
Genome position (GRCh38, 1-based): chr7:117,509,131-117,509,132, TT deleted; deleting any 2 consecutive bases within chr7:117,509,128-117,509,132 gives the same sequence; the c. name uses the placement nearest the transcript's 3' end. VCF-style (leftmost placement, unchanged base first): chr7-117509127-CTT-C. GRCh37 (hg19) VCF-style: chr7-117149181-CTT-C.
Other names: 394delTT; c.262_263delTT (NM_000492.3); short protein forms L88fs.
Identifiers: ClinVar variation 7232 (VCV000007232.77), dbSNP rs121908769, ClinGen allele CA325612.